The following is an entry in ClinVar:

NM_002693.3(POLG):c.177G>T (p.Pro59=)

Genes: POLG (DNA polymerase gamma, catalytic subunit; minus strand), POLGARF (POLG alternative reading frame; minus strand). Cytogenetic location: 15q26.1.
Variant type: single nucleotide variant.
Coding change: c.177G>T on transcript NM_002693.3 (MANE Select); coding-DNA position 177, G replaced by T.
Protein change: p.Pro59=; no amino-acid change (proline 59 retained).
Molecular consequence: synonymous variant.
Genome position (GRCh38, 1-based): chr15:89,333,578, C>A on the plus strand (G>T on the coding strand, the complement: POLG is on the minus strand). VCF-style: chr15-89333578-C-A. GRCh37 (hg19) VCF-style: chr15-89876809-C-A.
Other names: c.177G>T, p.Pro59= (NM_001126131.2).
Identifiers: ClinVar variation 390006 (VCV000390006.33), dbSNP rs372383277, ClinGen allele CA7725169.
Genomic context (GRCh38, chr15:89,333,578, plus strand): 5'-GAGCATCTGGATGTCCAATGGGTTGTGCCGCAGCTGCCCGCCCTCCGAGGATAGCACTTG[C>A]GGCTGCTGAGGCTGCTGTTGCTGCTGCTGCTGCTGCTGCTGCTGCTGCTGCCGCCGCCGC-3'
Protein context (NP_002684.1, residues 49-69): QQQQQQQPQQ[Pro59=]QVLSSEGGQL

ClinVar aggregate classification (germline): Likely benign. Review status: criteria provided, multiple submitters, no conflicts (2 of 4 stars). 5 submissions from 5 submitters: Likely benign (4). 1 of the submissions does not count toward it. Last evaluated 2026-01-16.

Conditions:
POLG-related disorder. Also called: POLG-Related Spectrum Disorders; POLG-related condition; POLG-Related Disorders. Identifiers: MedGen C4763519.
Progressive sclerosing poliodystrophy (MTDPS4A). Also called: Mitochondrial DNA depletion syndrome 4A (Alpers type); Alpers-Huttenlocher Syndrome (AHS); Alpers Syndrome; ALPERS DIFFUSE DEGENERATION OF CEREBRAL GRAY MATTER WITH HEPATIC CIRRHOSIS; Alpers-Huttenlocher Syndrome; Mitochondrial DNA Depletion Syndrome 4A. Identifiers: Orphanet 726, MedGen C0205710, MONDO:0008758, OMIM 203700.

Allele frequency attached by ClinVar (database versions not stated): TOPMed 0.00005; gnomAD exomes 0.00007; ExAC 0.00008; ESP Exome Variant Server 0.00008; gnomAD 0.00003.
gnomAD v4.1: 33 of 1,609,498 alleles (0.0021%); highest among the groups gnomAD compares: Admixed American, 0.035%; no homozygotes.

Submissions (5):

Labcorp Genetics (formerly Invitae), Labcorp
Classification: Likely benign for Progressive sclerosing poliodystrophy. Last evaluated: 2026-01-16. Review status: criteria provided, single submitter. Criteria: Invitae Variant Classification Sherloc (09022015). Collection method: clinical testing. Allele origin: germline.

Blueprint Genetics
Classification: Likely benign. Last evaluated: 2024-10-17. Review status: criteria provided, single submitter. Criteria: ACMG Guidelines, 2015. Collection method: clinical testing. Allele origin: germline.

CeGaT Center for Human Genetics Tuebingen
Classification: Likely benign. Last evaluated: 2024-05-01. Review status: criteria provided, single submitter. Criteria: CeGaT Center For Human Genetics Tuebingen Variant Classification Criteria Version 2. Collection method: clinical testing. Allele origin: germline. Affected: yes. Observed: 1 variant allele.
Comment: POLG: BP4, BP7

GeneDx
Classification: Likely benign. Last evaluated: 2018-08-22. Review status: criteria provided, single submitter. Criteria: GeneDx Variant Classification Process June 2021. Collection method: clinical testing. Allele origin: germline. Affected: yes.

PreventionGenetics, part of Exact Sciences
Classification: Likely benign for POLG-related condition. Last evaluated: 2023-02-09. Review status: no assertion criteria provided. Collection method: clinical testing. Allele origin: germline. Not counted in ClinVar's aggregate classification.
Comment: This variant is classified as likely benign based on ACMG/AMP sequence variant interpretation guidelines (Richards et al. 2015 PMID: 25741868, with internal and published modifications).